The following is an entry in ClinVar:

NM_002335.4(LRP5):c.1802G>A (p.Gly601Glu)

Gene: LRP5 (LDL receptor related protein 5; plus strand). Cytogenetic location: 11q13.2.
Variant type: single nucleotide variant.
Coding change: c.1802G>A on transcript NM_002335.4 (MANE Select); coding-DNA position 1802, G replaced by A.
Protein change: p.Gly601Glu; replaces glycine 601 with glutamic acid.
Molecular consequence: missense variant.
Genome position (GRCh38, 1-based): chr11:68,406,524, G>A. VCF-style: chr11-68406524-G-A. GRCh37 (hg19) VCF-style: chr11-68173992-G-A.
Other names: c.59G>A, p.Gly20Glu (NM_001291902.2); short protein forms G20E, G601E.
Identifiers: ClinVar variation 1417932 (VCV001417932.6), dbSNP rs2098655764, ClinGen allele CA381615234.
Genomic context (GRCh38, chr11:68,406,524, plus strand): 5'-GCACCCCTTTCCCTGCTGGGCTGTTGATGTTTAGACTGGAGCCTCTGTGTTCGCTTCCAG[G>A]AACCAACCCGTGTGCGGACAGGAACGGGGGGTGCAGCCACCTGTGCTTCTTCACACCCCA-3'
Protein context (NP_002326.2, residues 591-611): LKAVNVAKVV[Gly601Glu]TNPCADRNGG

ClinVar aggregate classification (germline): Uncertain significance (1 of 4 stars; one submission).

Allele frequency attached by ClinVar (database versions not stated): gnomAD exomes below 0.00001.
gnomAD v4.1: 2 of 1,614,074 alleles (0.00012%); highest among the groups gnomAD compares: African/African-American, 0.0027%; no homozygotes.

Submission:

Labcorp Genetics (formerly Invitae), Labcorp
Classification: Uncertain significance. Last evaluated: 2025-08-18. Review status: criteria provided, single submitter. Criteria: Invitae Variant Classification Sherloc (09022015). Collection method: clinical testing. Allele origin: germline.
Comment: This sequence change affects codon 601 of the LRP5 mRNA. It is a 'silent' change, meaning that it does not change the encoded amino acid sequence of the LRP5 protein. It affects a nucleotide within the consensus splice site. This variant is not present in population databases (gnomAD no frequency). This variant has not been reported in the literature in individuals affected with LRP5-related conditions. ClinVar contains an entry for this variant (Variation ID: 1417932). An algorithm developed to predict the effect of missense changes on protein structure and function (PolyPhen-2) suggests that this variant is likely to be disruptive. In summary, the available evidence is currently insufficient to determine the role of this variant in disease. Therefore, it has been classified as a Variant of Uncertain Significance.